The following is an entry in ClinVar:

ClinVar aggregate classification (germline): Uncertain significance. Review status: criteria provided, multiple submitters, no conflicts (2 of 4 stars). 2 submissions from 2 submitters: Uncertain significance (2). Last evaluated 2026-01-14.

Conditions:
Intellectual developmental disorder, autosomal dominant 54. Also called: MENTAL RETARDATION, AUTOSOMAL DOMINANT 54; Intellectual disability, autosomal dominant 54. Identifiers: MedGen C4540484, MONDO:0030920, OMIM 617799.

Allele frequency attached by ClinVar (database versions not stated): gnomAD 0.00001; TOPMed 0.00003.
gnomAD v4.1: 6 of 1,466,902 alleles (0.00041%); highest among the groups gnomAD compares: African/African-American, 0.003%; no homozygotes.

Submissions (2):

Labcorp Genetics (formerly Invitae), Labcorp
Classification: Uncertain significance. Last evaluated: 2026-01-14. Review status: criteria provided, single submitter. Criteria: Invitae Variant Classification Sherloc (09022015). Collection method: clinical testing. Allele origin: germline.
Comment: This sequence change replaces isoleucine, which is neutral and non-polar, with valine, which is neutral and non-polar, at codon 525 of the CAMK2B protein (p.Ile525Val). This variant is not present in population databases (gnomAD no frequency). This variant has not been reported in the literature in individuals affected with CAMK2B-related conditions. ClinVar contains an entry for this variant (Variation ID: 1712280). An algorithm developed to predict the effect of missense changes on protein structure and function (PolyPhen-2) suggests that this variant is likely to be tolerated. In summary, the available evidence is currently insufficient to determine the role of this variant in disease. Therefore, it has been classified as a Variant of Uncertain Significance.

UNC Molecular Genetics  Laboratory, University of North Carolina at Chapel Hill
Classification: Uncertain significance for Intellectual developmental disorder, autosomal dominant 54. Last evaluated: 2021-12-14. Review status: criteria provided, single submitter. Criteria: ACMG Guidelines, 2015. Collection method: research. Allele origin: maternal. Observed: 1 variant allele. Study: CSER_NCGENES_2.
Comment: CAMK2B c.1573A>G p.(Ile525Val) is a missense variant which is predicted to change a single amino acid from an isoleucine to a valine in the association domain of the protein. This domain is involved in CAMK2 holoenzyme assembly (PMID 16325579). To date, the majority of previously described pathogenic CAMK2B variants are missense variants in regions encoding the catalytic or regulatory domains (PMID 29100089, 29560374, 33796307). This variant is located in a region encoding the C-terminal association domain in which pathogenic variants have not been previously reported, and therefore the variant's effect on the protein is unknown. This variant is observed in gnomAD v3.1.2 with a global minor allele frequency of 0.001% (2 alleles/151,668 alleles, 0 homozygotes). To our knowledge, this variant has not been reported in affected individuals in the literature. Without clinical or functional evidence, this variant is classified as a variant of uncertain significance.

NM_001220.5(CAMK2B):c.1573A>G (p.Ile525Val)

Gene: CAMK2B (calcium/calmodulin dependent protein kinase II beta; minus strand). Cytogenetic location: 7p13.
Variant type: single nucleotide variant.
Coding change: c.1573A>G on transcript NM_001220.5 (MANE Select); coding-DNA position 1573, A replaced by G.
Protein change: p.Ile525Val; replaces isoleucine 525 with valine.
Molecular consequence: missense variant. On other transcripts: intron variant (8).
Genome position (GRCh38, 1-based): chr7:44,226,540, T>C on the plus strand (A>G on the coding strand, the complement: CAMK2B is on the minus strand). VCF-style: chr7-44226540-T-C. GRCh37 (hg19) VCF-style: chr7-44266139-T-C.
Other names: c.947-5639A>G (NM_172084.3); c.1150+4466A>G (NM_172080.3); c.1036+4466A>G (NM_172083.3); c.1108+4466A>G (NM_172081.3); c.1153+4466A>G (NM_172079.3, NM_172082.3); c.1225+4466A>G (NM_001293170.2, NM_172078.3); short protein forms I525V.
Identifiers: ClinVar variation 1712280 (VCV001712280.4), dbSNP rs1462662820, ClinGen allele CA367371424.